The following is an entry in ClinVar:

ClinVar aggregate classification (germline): Uncertain significance. Review status: criteria provided, multiple submitters, no conflicts (2 of 4 stars). 2 submissions from 2 submitters: Uncertain significance (2). Last evaluated 2025-03-31.

Conditions:
Inborn genetic diseases. Identifiers: MedGen C0950123, MeSH D030342.

gnomAD v4.1: 1 of 1,614,186 alleles (0.000062%); no homozygotes.

Submissions (2):

Ambry Genetics
Classification: Uncertain significance for Inborn genetic diseases. Last evaluated: 2025-03-31. Review status: criteria provided, single submitter. Criteria: Ambry Variant Classification Scheme 2023. Collection method: clinical testing. Allele origin: germline.

GeneDx
Classification: Uncertain significance. Last evaluated: 2022-11-30. Review status: criteria provided, single submitter. Criteria: GeneDx Variant Classification Process June 2021. Collection method: clinical testing. Allele origin: germline. Affected: yes.
Comment: Not observed at significant frequency in large population cohorts (gnomAD); In silico analysis supports that this missense variant does not alter protein structure/function; Has not been previously published as pathogenic or benign to our knowledge

NM_012330.4(KAT6B):c.1691G>C (p.Ser564Thr)

Gene: KAT6B (lysine acetyltransferase 6B; plus strand). Cytogenetic location: 10q22.2.
Variant type: single nucleotide variant.
Coding change: c.1691G>C on transcript NM_012330.4 (MANE Select); coding-DNA position 1691, G replaced by C.
Protein change: p.Ser564Thr; replaces serine 564 with threonine.
Molecular consequence: missense variant. On other transcripts: intron variant (13).
Genome position (GRCh38, 1-based): chr10:74,976,028, G>C. VCF-style: chr10-74976028-G-C. GRCh37 (hg19) VCF-style: chr10-76735786-G-C.
Other names: c.1691G>C, p.Ser564Thr (NM_001370136.1, NM_001370137.1); c.1117+574G>C (NM_001370139.1, NM_001370140.1, NM_001370141.1 and 3 more transcripts); c.1444+247G>C (NM_001370138.1, NM_001256468.2); c.846+6253G>C (NM_001370133.1); c.193-3196G>C (NM_001370134.1); c.929-1288G>C (NM_001370143.1, NM_001370144.1); c.193-12991G>C (NM_001370135.1); c.1691G>C (NM_012330.2); short protein forms S564T.
Identifiers: ClinVar variation 2504412 (VCV002504412.2), dbSNP rs372284989, ClinGen allele CA209703446.